The following is an entry in ClinVar:

ClinVar aggregate classification (germline): Uncertain significance (1 of 4 stars; one submission).

Submission:

Quest Diagnostics Nichols Institute San Juan Capistrano
Classification: Uncertain significance. Last evaluated: 2025-07-05. Review status: criteria provided, single submitter. Criteria: Quest Diagnostics criteria. Collection method: clinical testing. Allele origin: unknown.
Comment: The BTD c.712G>T (p.Gly238Cys) variant has not been reported in individuals with BTD-related conditions in the published literature. It also has not been reported in large, multi-ethnic general populations (Genome Aggregation Database). Analysis of this variant using bioinformatics tools for the prediction of the effect of amino acid changes on protein structure and function yielded predictions that this variant is damaging. Based on the available information, we are unable to determine the clinical significance of this variant.

NM_000060.4:c.712G>T

Variant type: single nucleotide variant.
Other names: c.712G>T (NM_000060.4).
Identifiers: ClinVar variation 4532851 (VCV004532851.1).